The following is an entry in ClinVar:

ClinVar aggregate classification (germline): Likely benign. Review status: criteria provided, multiple submitters, no conflicts (2 of 4 stars). 3 submissions from 3 submitters: Likely benign (2). 1 of the submissions does not count toward it. Last evaluated 2025-10-07.

Conditions:
Parkinsonism-dystonia, infantile. Identifiers: Orphanet 238455, MedGen C2751067, MONDO:0013150.
SLC6A3-related disorder. Also called: SLC6A3-related condition.

Allele frequency attached by ClinVar (database versions not stated): TOPMed 0.00016; 1000 Genomes Project 0.00020; ESP Exome Variant Server 0.00054; gnomAD exomes 0.00008 and 0.00012; ExAC 0.00011; gnomAD 0.00013; 1000 Genomes Project 30x 0.00016.
gnomAD v4.1: 196 of 1,613,320 alleles (0.012%); highest among the groups gnomAD compares: Non-Finnish European, 0.015%; 2 homozygotes.

Submissions (3):

Labcorp Genetics (formerly Invitae), Labcorp
Classification: Likely benign for Parkinsonism-dystonia, infantile. Last evaluated: 2025-10-07. Review status: criteria provided, single submitter. Criteria: Invitae Variant Classification Sherloc (09022015). Collection method: clinical testing. Allele origin: germline.

CeGaT Center for Human Genetics Tuebingen
Classification: Likely benign. Last evaluated: 2024-11-01. Review status: criteria provided, single submitter. Criteria: CeGaT Center For Human Genetics Tuebingen Variant Classification Criteria Version 2. Collection method: clinical testing. Allele origin: germline. Affected: yes. Observed: 1 variant allele.
Comment: SLC6A3: BP4, BP7

PreventionGenetics, part of Exact Sciences
Classification: Likely benign for SLC6A3-related condition. Last evaluated: 2019-09-17. Review status: no assertion criteria provided. Collection method: clinical testing. Allele origin: germline. Not counted in ClinVar's aggregate classification.
Comment: This variant is classified as likely benign based on ACMG/AMP sequence variant interpretation guidelines (Richards et al. 2015 PMID: 25741868, with internal and published modifications).

NM_001044.5(SLC6A3):c.1296C>T (p.Thr432=)

Gene: SLC6A3 (solute carrier family 6 member 3). Cytogenetic location: 5p15.33.
Variant type: single nucleotide variant.
Coding change: c.1296C>T on transcript NM_001044.5 (MANE Select); coding-DNA position 1296, C replaced by T.
Protein change: p.Thr432=; no amino-acid change (threonine 432 retained).
Molecular consequence: synonymous variant.
Genome position (GRCh38, 1-based): chr5:1,409,823, G>A on the plus strand (C>T on the coding strand, the complement: SLC6A3 is on the minus strand). VCF-style: chr5-1409823-G-A. GRCh37 (hg19) VCF-style: chr5-1409938-G-A.
Identifiers: ClinVar variation 538071 (VCV000538071.25), dbSNP rs115254960, ClinGen allele CA3186078.